The following is an entry in ClinVar:

ClinVar aggregate classification (germline): Uncertain significance (1 of 4 stars; one submission).

Submission:

GeneDx
Classification: Uncertain significance. Last evaluated: 2026-02-13. Review status: criteria provided, single submitter. Criteria: GeneDx Variant Classification Process June 2021. Collection method: clinical testing. Allele origin: germline.
Comment: Has not been previously published as pathogenic or benign to our knowledge; No data available from control populations to assess the frequency of this variant; Canonical splice site variant in a gene for which loss of function is not an established mechanism of disease; Located in a regulatory region; in the absence of functional studies, the actual effect of this sequence change is unknown

NM_001297719.2(BMAL1):c.-262-2A>G

Gene: BMAL1 (basic helix-loop-helix ARNT like 1; plus strand). Cytogenetic location: 11p15.3.
Variant type: single nucleotide variant.
Coding change: c.-262-2A>G on transcript NM_001297719.2 (MANE Select); the canonical splice acceptor site of the intron before 262 bases upstream of the start codon, A replaced by G.
Molecular consequence: splice acceptor variant.
Genome position (GRCh38, 1-based): chr11:13,309,985, A>G. VCF-style: chr11-13309985-A-G. GRCh37 (hg19) VCF-style: chr11-13331532-A-G.
Other names: c.-262-2A>G (NM_001351804.1, NM_001351814.2, NM_001178.6); c.-437-2A>G (NM_001351812.2); c.-462-2A>G (NM_001351823.2, NM_001351808.2, NM_001351818.2); c.-455-2A>G (NM_001351820.2); c.-336-2A>G (NM_001351821.2); c.-382-2A>G (NM_001351809.2); c.-407-2A>G (NM_001351816.2, NM_001351813.2, NM_001030273.3); c.-949-2A>G (NM_001351811.2); and 4 more.
Identifiers: ClinVar variation 5008504 (VCV005008504.1).